The following is an entry in ClinVar:

NM_003070.5(SMARCA2):c.1388A>G (p.Lys463Arg)

Gene: SMARCA2 (SWI/SNF related BAF chromatin remodeling complex subunit ATPase 2; plus strand). Cytogenetic location: 9p24.3.
Variant type: single nucleotide variant.
Coding change: c.1388A>G on transcript NM_003070.5 (MANE Select); coding-DNA position 1388, A replaced by G.
Protein change: p.Lys463Arg; replaces lysine 463 with arginine.
Molecular consequence: missense variant.
Genome position (GRCh38, 1-based): chr9:2,058,331, A>G. VCF-style: chr9-2058331-A-G. GRCh37 (hg19) VCF-style: chr9-2058331-A-G.
Other names: c.1388A>G, p.Lys463Arg (NM_001289396.2, NM_001289397.2, NM_139045.4); short protein forms K463R.
Identifiers: ClinVar variation 1902920 (VCV001902920.5), dbSNP rs777703083, ClinGen allele CA4963151.
Genomic context (GRCh38, chr9:2,058,331, plus strand): 5'-TCCCTTTTTGGATCTTCTAGGAATACCTGAACAGTATTTTGCAACATGCAAAAGATTTTA[A>G]GGAATATCATCGGTCTGTGGCCGGAAAGATCCAGAAGCTCTCCAAAGCAGTGGCAACTTG-3'
Protein context (NP_003061.3, residues 453-473): NSILQHAKDF[Lys463Arg]EYHRSVAGKI

ClinVar aggregate classification (germline): Uncertain significance (1 of 4 stars; one submission).

Allele frequency attached by ClinVar (database versions not stated): gnomAD exomes below 0.00001; ExAC 0.00001; TOPMed 0.00001.
gnomAD v4.1: 4 of 1,614,234 alleles (0.00025%); highest among the groups gnomAD compares: African/African-American, 0.0027%; no homozygotes.

Submission:

Labcorp Genetics (formerly Invitae), Labcorp
Classification: Uncertain significance. Last evaluated: 2022-07-28. Review status: criteria provided, single submitter. Criteria: Invitae Variant Classification Sherloc (09022015). Collection method: clinical testing. Allele origin: germline.
Comment: This variant is not present in population databases (gnomAD no frequency). This sequence change replaces lysine, which is basic and polar, with arginine, which is basic and polar, at codon 463 of the SMARCA2 protein (p.Lys463Arg). This variant has not been reported in the literature in individuals affected with SMARCA2-related conditions. In summary, the available evidence is currently insufficient to determine the role of this variant in disease. Therefore, it has been classified as a Variant of Uncertain Significance. Advanced modeling of protein sequence and biophysical properties (such as structural, functional, and spatial information, amino acid conservation, physicochemical variation, residue mobility, and thermodynamic stability) performed at Invitae indicates that this missense variant is not expected to disrupt SMARCA2 protein function.